The following is an entry in ClinVar:

ClinVar aggregate classification (germline): Uncertain significance. Review status: criteria provided, multiple submitters, no conflicts (2 of 4 stars). 2 submissions from 2 submitters: Uncertain significance (2). Last evaluated 2024-05-02.

Allele frequency attached by ClinVar (database versions not stated): gnomAD 0.00001; gnomAD exomes 0.00001 and 0.00003; ExAC 0.00004.
gnomAD v4.1: 24 of 1,614,072 alleles (0.0015%); highest among the groups gnomAD compares: Non-Finnish European, 0.0019%; no homozygotes.

Submissions (2):

Labcorp Genetics (formerly Invitae), Labcorp
Classification: Uncertain significance. Last evaluated: 2024-05-02. Review status: criteria provided, single submitter. Criteria: Invitae Variant Classification Sherloc (09022015). Collection method: clinical testing. Allele origin: germline.
Comment: This sequence change replaces phenylalanine, which is neutral and non-polar, with leucine, which is neutral and non-polar, at codon 40 of the CASQ1 protein (p.Phe40Leu). This variant is present in population databases (rs779923292, gnomAD 0.006%). This variant has not been reported in the literature in individuals affected with CASQ1-related conditions. ClinVar contains an entry for this variant (Variation ID: 429369). An algorithm developed to predict the effect of missense changes on protein structure and function (PolyPhen-2) suggests that this variant is likely to be tolerated. In summary, the available evidence is currently insufficient to determine the role of this variant in disease. Therefore, it has been classified as a Variant of Uncertain Significance.

GeneDx
Classification: Uncertain significance. Last evaluated: 2020-03-07. Review status: criteria provided, single submitter. Criteria: GeneDx Variant Classification Process June 2021. Collection method: clinical testing. Allele origin: germline. Affected: yes.
Comment: In silico analysis supports that this missense variant has a deleterious effect on protein structure/function; Has not been previously published as pathogenic or benign to our knowledge

NM_001231.5(CASQ1):c.118T>C (p.Phe40Leu)

Gene: CASQ1 (calsequestrin 1; plus strand). Cytogenetic location: 1q23.2.
Variant type: single nucleotide variant.
Coding change: c.118T>C on transcript NM_001231.5 (MANE Select); coding-DNA position 118, T replaced by C.
Protein change: p.Phe40Leu; replaces phenylalanine 40 with leucine.
Molecular consequence: missense variant.
Genome position (GRCh38, 1-based): chr1:160,190,869, T>C. VCF-style: chr1-160190869-T-C. GRCh37 (hg19) VCF-style: chr1-160160659-T-C.
Other names: short protein forms F40L.
Identifiers: ClinVar variation 429369 (VCV000429369.5), dbSNP rs779923292, ClinGen allele CA1196074.
Genomic context (GRCh38, chr1:160,190,869, plus strand): 5'-CTGTTGCTGCTGGTGCTAGGGACACCCAAGTCAGGGGTACAGGGGCAGGAAGGGCTGGAC[T>C]TCCCTGAGTACGATGGTGTGGACCGTGTGATCAATGTCAATGCAAAGAACTACAAGAATG-3'
Protein context (NP_001222.3, residues 30-50): SGVQGQEGLD[Phe40Leu]PEYDGVDRVI